The following is an entry in ClinVar:

NM_005562.3(LAMC2):c.1427C>T (p.Thr476Met)

Gene: LAMC2 (laminin subunit gamma 2; plus strand). Cytogenetic location: 1q25.3.
Variant type: single nucleotide variant.
Coding change: c.1427C>T on transcript NM_005562.3 (MANE Select); coding-DNA position 1427, C replaced by T.
Protein change: p.Thr476Met; replaces threonine 476 with methionine.
Molecular consequence: missense variant.
Genome position (GRCh38, 1-based): chr1:183,227,656, C>T. VCF-style: chr1-183227656-C-T. GRCh37 (hg19) VCF-style: chr1-183196791-C-T.
Other names: c.1427C>T, p.Thr476Met (NM_018891.3); short protein forms T476M.
Identifiers: ClinVar variation 5004334 (VCV005004334.1).

ClinVar aggregate classification (germline): Uncertain significance (1 of 4 stars; one submission).

Conditions:
Junctional epidermolysis bullosa. Identifiers: Orphanet 305, MedGen C0079301, MONDO:0017612.

gnomAD v4.1: 35 of 1,614,076 alleles (0.0022%); highest among the groups gnomAD compares: African/African-American, 0.02%; no homozygotes.

Submission:

Myriad Genetics, Inc.
Classification: Uncertain significance for Junctional epidermolysis bullosa. Last evaluated: 2025-11-10. Review status: criteria provided, single submitter. Criteria: Myriad Autosomal Dominant, Autosomal Recessive and X-Linked Classification Criteria (2023). Collection method: clinical testing. Allele origin: unknown.
Comment: NM_005562.2(LAMC2):c.1427C>T(T476M) is a missense variant classified as a variant of uncertain significance in the context of junctional epidermolysis bullosa, LAMC2-related. T476M has not been observed in cases with relevant disease. Relevant functional assessments of this variant are not available in the literature. T476M has been observed in referenced population frequency databases. In summary, there is insufficient evidence to classify NM_005562.2(LAMC2):c.1427C>T(T476M) as pathogenic or benign. Please note: this variant was assessed in the context of healthy population screening.